The following is an entry in ClinVar:

ClinVar aggregate classification (germline): Uncertain significance (1 of 4 stars; one submission).

Conditions:
Optic atrophy with or without deafness, ophthalmoplegia, myopathy, ataxia, and neuropathy. Also called: OPTIC ATROPHY PLUS SYNDROME. Identifiers: MedGen C3276549, MONDO:0007429, OMIM 125250.
Abortive cerebellar ataxia (BEHRS). Also called: OPTIC ATROPHY, INFANTILE HEREDITARY, WITH NEUROLOGIC ABNORMALITIES; Behr syndrome. Identifiers: Orphanet 1239, MedGen C0221061, MONDO:0008858, OMIM 210000.
Mitochondrial DNA depletion syndrome 14B (cardioencephalomyopathic type). Also called: Mitochondrial DNA depletion syndrome 14 (encephalocardiomyopathic type); Mitochondrial DNA depletion syndrome 14 (cardioencephalomyopathic type). Identifiers: MedGen C6065890, MONDO:0014820, OMIM 616896.
Autosomal dominant optic atrophy classic form (OPA1). Also called: OPTIC ATROPHY, JUVENILE; KJER-TYPE OPTIC ATROPHY; Optic Atrophy Type 1. Identifiers: Orphanet 98673, MedGen C0338508, MONDO:0008134, OMIM 165500.
Glaucoma, normal tension, susceptibility to (NTG). Also called: GLAUCOMA, NORMAL PRESSURE, SUSCEPTIBILITY TO. Identifiers: MedGen C1847730, MONDO:0011693, OMIM 606657.

Submission:

Juno Genomics, Hangzhou Juno Genomics, Inc
Classification: Uncertain significance for Mitochondrial DNA depletion syndrome 14B (cardioencephalomyopathic type); Glaucoma, normal tension, susceptibility to; Abortive cerebellar ataxia; Autosomal dominant optic atrophy classic form; Optic atrophy with or without deafness, ophthalmoplegia, myopathy, ataxia, and neuropathy. Review status: criteria provided, single submitter. Criteria: ACMG Guidelines, 2015. Collection method: clinical testing. Allele origin: germline.
Comment: Absent from controls (or at extremely low frequency if recessive) in Genome Aggregation Database.;Multiple lines of computational evidence support a deleterious effect on the gene or gene product.

NM_130837.3(OPA1):c.1231-31G>C

Gene: OPA1 (OPA1 mitochondrial dynamin like GTPase; plus strand). Cytogenetic location: 3q29.
Variant type: single nucleotide variant.
Coding change: c.1231-31G>C on transcript NM_130837.3 (MANE Select); 31 bases into the intron before coding-DNA position 1231, G replaced by C.
Molecular consequence: intron variant.
Genome position (GRCh38, 1-based): chr3:193,642,944, G>C. VCF-style: chr3-193642944-G-C. GRCh37 (hg19) VCF-style: chr3-193360733-G-C.
Other names: c.694-31G>C (NM_001354664.2); c.697-31G>C (NM_001354663.2); c.1120-31G>C (NM_130834.3); c.1177-31G>C (NM_130836.3); c.1066-31G>C (NM_015560.3); c.1123-31G>C (NM_130835.3); c.1012-31G>C (NM_130832.3); c.1069-31G>C (NM_130833.3); and 1 more.
Identifiers: ClinVar variation 5019705 (VCV005019705.2).